The following is an entry in ClinVar:

ClinVar aggregate classification (germline): Uncertain significance. Review status: criteria provided, multiple submitters, no conflicts (2 of 4 stars). 2 submissions from 2 submitters: Uncertain significance (2). Last evaluated 2025-09-30.

Conditions:
Tuberous sclerosis 1 (TSC1). Identifiers: Orphanet 805, MedGen C1854465, MONDO:0008612, OMIM 191100.
Hereditary cancer-predisposing syndrome. Also called: Hereditary Cancer Syndrome; Hereditary neoplastic syndrome; Tumor predisposition; Neoplastic Syndromes, Hereditary. Identifiers: Orphanet 140162, MedGen C0027672, MeSH D009386, MONDO:0015356.

Submissions (2):

Labcorp Genetics (formerly Invitae), Labcorp
Classification: Uncertain significance for Tuberous sclerosis 1. Last evaluated: 2025-09-30. Review status: criteria provided, single submitter. Criteria: Invitae Variant Classification Sherloc (09022015). Collection method: clinical testing. Allele origin: germline.
Comment: This sequence change replaces glutamine, which is neutral and polar, with histidine, which is basic and polar, at codon 435 of the TSC1 protein (p.Gln435His). This variant is not present in population databases (gnomAD no frequency). This variant has not been reported in the literature in individuals affected with TSC1-related conditions. ClinVar contains an entry for this variant (Variation ID: 1363357). Invitae Evidence Modeling of protein sequence and biophysical properties (such as structural, functional, and spatial information, amino acid conservation, physicochemical variation, residue mobility, and thermodynamic stability) indicates that this missense variant is not expected to disrupt TSC1 protein function with a negative predictive value of 95%. In summary, the available evidence is currently insufficient to determine the role of this variant in disease. Therefore, it has been classified as a Variant of Uncertain Significance.

Ambry Genetics
Classification: Uncertain significance for Hereditary cancer-predisposing syndrome. Last evaluated: 2023-07-27. Review status: criteria provided, single submitter. Criteria: Ambry Variant Classification Scheme 2023. Collection method: clinical testing. Allele origin: germline.
Comment: The p.Q435H variant (also known as c.1305A>C), located in coding exon 11 of the TSC1 gene, results from an A to C substitution at nucleotide position 1305. The glutamine at codon 435 is replaced by histidine, an amino acid with highly similar properties. This amino acid position is conserved. In addition, this alteration is predicted to be tolerated by in silico analysis. Since supporting evidence is limited at this time, the clinical significance of this alteration remains unclear.

NM_000368.5(TSC1):c.1305A>C (p.Gln435His)

Gene: TSC1 (TSC complex subunit 1; minus strand). Cytogenetic location: 9q34.13.
Variant type: single nucleotide variant.
Coding change: c.1305A>C on transcript NM_000368.5 (MANE Select); coding-DNA position 1305, A replaced by C.
Protein change: p.Gln435His; replaces glutamine 435 with histidine.
Molecular consequence: missense variant.
Genome position (GRCh38, 1-based): chr9:132,907,329, T>G on the plus strand (A>C on the coding strand, the complement: TSC1 is on the minus strand). VCF-style: chr9-132907329-T-G. GRCh37 (hg19) VCF-style: chr9-135782716-T-G.
Other names: c.1305A>C (NM_000368.4); c.1302A>C, p.Gln434His (NM_001162426.2); c.1152A>C, p.Gln384His (NM_001162427.2); c.942A>C, p.Gln314His (NM_001362177.2); short protein forms Q314H, Q435H, Q434H, Q384H.
Identifiers: ClinVar variation 1363357 (VCV001363357.9), dbSNP rs1334781311, ClinGen allele CA375366137.